The following is an entry in ClinVar:

ClinVar aggregate classification (germline): Pathogenic/Likely pathogenic. Review status: criteria provided, multiple submitters, no conflicts (2 of 4 stars). 14 submissions from 14 submitters: Pathogenic (10); Likely pathogenic (1). 3 of the submissions do not count toward it. Last evaluated 2026-08-12.

Conditions:
Retinitis pigmentosa 74 (RP74). Identifiers: Orphanet 791, MedGen C4225281, MONDO:0014692, OMIM 616562.
Bardet-Biedl syndrome 2 (BBS2). Identifiers: Orphanet 110, MedGen C2936863, MONDO:0014432, OMIM 615981.
BBS2-related disorder. Also called: BBS2-related condition; BBS2-related disorders. Identifiers: MedGen CN239228.
BARDET-BIEDL SYNDROME 2/6, DIGENIC. Identifiers: MedGen C4016908.
Bardet-Biedl syndrome (BBS). Identifiers: Orphanet 110, MedGen C0752166, MONDO:0015229.
Retinitis pigmentosa (RP). Identifiers: Orphanet 791, MedGen C0035334, MeSH D012174, MONDO:0019200, OMIM 268000. Inheritance: Autosomal dominant, autosomal recessive and X linked inheritance.
Retinal disorder. Also called: Retinopathies; Retinal Diseases; Retinopathy; Retinal disorders. Identifiers: MedGen C0035309, MONDO:0005283, HP:0000488.
Early onset severe obesity. Identifiers: MedGen C4013980.

Allele frequency attached by ClinVar (database versions not stated): gnomAD 0.00003; gnomAD exomes 0.00005; TOPMed 0.00005; ExAC 0.00006; 1000 Genomes Project 30x 0.00016; 1000 Genomes Project 0.00020.
gnomAD v4.1: 265 of 1,613,764 alleles (0.016%); highest among the groups gnomAD compares: Non-Finnish European, 0.022%; no homozygotes.

Submissions (14):

PreventionGenetics, part of Exact Sciences
Classification: Pathogenic for BBS2-related condition. Last evaluated: 2026-08-12. Review status: criteria provided, single submitter. Criteria: ACMG Guidelines, 2015. Collection method: clinical testing. Allele origin: germline.
Comment: The BBS2 c.72C>G variant is predicted to result in premature protein termination (p.Tyr24*). This variant has been reported, in the homozygous state or in the heterozygous state along with a second potentially causative variant in the same gene, in individuals with Bardet-Biedl syndrome (Katsanis et al. 2001. PubMed ID: 11567139; Supplementary Data, Stone et al. 2017. PubMed ID: 28559085). This variant was also identified in another individual with retinitis pigmentosa, although no second variant was described (Supplementary Data, Jespersgaard et al. 2019. PubMed ID: 30718709). This variant is reported in 0.011% of alleles in individuals of European (Non-Finnish) descent in gnomAD. Nonsense variants in BBS2 are expected to be pathogenic. This variant is interpreted as pathogenic.

Labcorp Genetics (formerly Invitae), Labcorp
Classification: Pathogenic for Bardet-Biedl syndrome. Last evaluated: 2026-01-30. Review status: criteria provided, single submitter. Criteria: Invitae Variant Classification Sherloc (09022015). Collection method: clinical testing. Allele origin: germline.
Comment: This sequence change creates a premature translational stop signal (p.Tyr24*) in the BBS2 gene. It is expected to result in an absent or disrupted protein product. Loss-of-function variants in BBS2 are known to be pathogenic (PMID: 11285252, 20177705, 24608809, 26518167). This variant is present in population databases (rs121908175, gnomAD 0.01%). This premature translational stop signal has been observed in individual(s) with Bardet-Biedl syndrome (PMID: 11567139, 21344540). ClinVar contains an entry for this variant (Variation ID: 4570). Algorithms developed to predict the effect of sequence changes on RNA splicing suggest that this variant may disrupt the consensus splice site. For these reasons, this variant has been classified as Pathogenic.

Natera, Inc.
Classification: Pathogenic for Bardet-Biedl syndrome type 2. Last evaluated: 2025-11-19. Review status: criteria provided, single submitter. Criteria: Natera Variant Classification Schema (03/2026). Collection method: clinical testing. Allele origin: germline.
Comment: The c.72C>G variant in BBS2 is a nonsense variant predicted to introduce a stop codon at amino acid 24. This variant is expected to result in nonsense mediated decay, truncation, or a dysfunctional protein product. This variant is rare in the general population with a frequency below the threshold expected for the associated phenotype(s). This variant has been observed in one or more individuals affected with the associated recessive disease, as either homozygous or compound heterozygous with a second variant (PMID: 11567139). Given the available evidence, this variant is classified as Pathogenic.

Genetics Laboratory, Great Ormond Street Hospital NHS Foundation Trust, North Thames Genomic Laboratory Hub
Classification: Pathogenic for Retinal disorders. Last evaluated: 2025-07-31. Review status: criteria provided, single submitter. Criteria: ACGS Best Practice Guidelines for Variant Classification in Rare Disease 2024 v1.2. Collection method: clinical testing. Allele origin: germline. Affected: yes.
Comment: PM2_moderate, PVS1_very-strong, PM3_moderate

Revvity Omics, Revvity
Classification: Pathogenic. Last evaluated: 2025-06-05. Review status: criteria provided, single submitter. Criteria: ACMG Guidelines, 2015. Collection method: clinical testing. Allele origin: germline.

Blueprint Genetics
Classification: Pathogenic for BBS2-related disorders. Last evaluated: 2024-11-26. Review status: criteria provided, single submitter. Criteria: ACMG Guidelines, 2015. Collection method: clinical testing. Allele origin: germline. Affected: yes. Observed: 4 variant alleles.

Cambridge Genomics Laboratory, East Genomic Laboratory Hub, NHS Genomic Medicine Service
Classification: Pathogenic for Severe early-onset obesity. Last evaluated: 2024-10-16. Review status: criteria provided, single submitter. Criteria: ACGS Best Practice Guidelines for Variant Classification in Rare Disease 2020. Collection method: clinical testing. Allele origin: germline. Affected: yes.
Comment: The p.Tyr24Ter variant is observed in 13/112.482 (0.0116%) alleles from individuals of gnomAD Non Finnish European background in gnomAD All. The p.Tyr24Ter variant is observed in 1/5.008 (0.02%) alleles from individuals of 1kG All background in 1kG All. (PM2 - Moderate) | This variant is a stop gained variant which occurs in an exon of BBS2 upstream of where nonsense mediated decay is predicted to occur. This variant has been previously classified as pathogenic, indicating that the region is critical to protein function. There are 196 downstream pathogenic loss of function variants, with the furthest variant being 679 residues downstream of this variant. This indicates that the region is critical to protein function. The p.Tyr24Ter variant is a loss of function variant in the gene BBS2, which is intolerant of Loss of Function variants, as indicated by the presence of existing pathogenic loss of function variant NP_114091.3:p.Y24* and 104 others. (PVS1 - Very Strong) | The variant is observed in trans (in a compound heterozygous state) with another pathogenic variant. (PM3_Supporting - Supporting)

Baylor Genetics
Classification: Pathogenic for Bardet-Biedl syndrome 2. Last evaluated: 2024-03-19. Review status: criteria provided, single submitter. Criteria: ACMG Guidelines, 2015. Collection method: clinical testing. Allele origin: unknown.

Fulgent Genetics
Classification: Pathogenic for Bardet-Biedl syndrome 2; Retinitis pigmentosa 74. Last evaluated: 2024-02-07. Review status: criteria provided, single submitter. Criteria: ACMG Guidelines, 2015. Collection method: clinical testing. Allele origin: germline.

Broad Center for Mendelian Genomics, Broad Institute of MIT and Harvard
Classification: Likely pathogenic for Bardet-Biedl syndrome 2. Last evaluated: 2018-06-15. Review status: criteria provided, single submitter. Criteria: ACMG Guidelines, 2015. Collection method: research. Allele origin: germline. Inheritance: Autosomal recessive inheritance. Affected: yes.
Comment: This variant has been identified in <0.01% (12/125738) of European (Non-Finnish) chromosomes by the Genome Aggregation Database (gnomAD; dbSNP rs121908175). Loss of function of the BBS2 gene is an established disease mechanism in autosomal recessive Bardet-Biedl syndrome 2, and this is a loss of function variant. In summary, although additional studies are required to fully establish its pathogenicity, this variant is likely pathogenic.

Women's Health and Genetics/Laboratory Corporation of America, LabCorp
Classification: Pathogenic for Bardet-Biedl syndrome. Last evaluated: 2017-08-10. Review status: criteria provided, single submitter. Criteria: LabCorp Variant Classification Summary - May 2015. Collection method: clinical testing. Allele origin: germline.
Comment: Variant summary: The BBS2 c.72C>G (p.Tyr24X) variant results in a premature termination codon, predicted to cause a truncated or absent BBS2 protein due to nonsense mediated decay, which are commonly known mechanisms for disease. One in silico tool predicts a damaging outcome for this variant. This variant was found in 7/116822 control chromosomes at a frequency of 0.0000599, which does not exceed the estimated maximal expected allele frequency of a pathogenic BBS2 variant (0.0008452). This variant has been reported in multiple BBS patients in homozygous or compound heterozygous state. In addition, multiple clinical diagnostic laboratories/reputable databases classified this variant as pathogenic. Taken together, this variant is classified as pathogenic.

Department of Clinical Genetics, Copenhagen University Hospital, Rigshospitalet
Classification: Pathogenic for Retinitis pigmentosa. Last evaluated: 2018-04-01. Review status: no assertion criteria provided. Collection method: research. Allele origin: unknown. Affected: yes. Study: VeluxRD. Not counted in ClinVar's aggregate classification.

Counsyl
Classification: Pathogenic for Bardet-Biedl syndrome 2. Last evaluated: 2016-11-03. Review status: no assertion criteria provided. Collection method: clinical testing. Allele origin: unknown. Not counted in ClinVar's aggregate classification.

OMIM
Classification: Pathogenic for BARDET-BIEDL SYNDROME 2/6, DIGENIC. Last evaluated: 2001-09-21. Review status: no assertion criteria provided. Collection method: literature only. Allele origin: germline. Not counted in ClinVar's aggregate classification.

Literature cited by the submitters: PubMed 11285252 (cited by Labcorp Genetics (formerly Invitae), Labcorp); PubMed 20177705 (cited by Labcorp Genetics (formerly Invitae), Labcorp and Women's Health and Genetics/Laboratory Corporation of America, LabCorp); PubMed 24608809 (cited by Labcorp Genetics (formerly Invitae), Labcorp); PubMed 26518167 (cited by Labcorp Genetics (formerly Invitae), Labcorp); PubMed 11567139 (cited by 4 submitters); PubMed 21344540 (cited by Labcorp Genetics (formerly Invitae), Labcorp and Counsyl); PubMed 20498079 (cited by Women's Health and Genetics/Laboratory Corporation of America, LabCorp); PubMed 30718709 (cited by Department of Clinical Genetics, Copenhagen University Hospital, Rigshospitalet).

NM_031885.5(BBS2):c.72C>G (p.Tyr24Ter)

Gene: BBS2 (Bardet-Biedl syndrome 2; minus strand). Cytogenetic location: 16q13.
Variant type: single nucleotide variant.
Coding change: c.72C>G on transcript NM_031885.5 (MANE Select); coding-DNA position 72, C replaced by G.
Protein change: p.Tyr24Ter; replaces tyrosine 24 with a stop codon.
Molecular consequence: nonsense. On other transcripts: non-coding transcript variant (5).
Genome position (GRCh38, 1-based): chr16:56,519,791, G>C on the plus strand (C>G on the coding strand, the complement: BBS2 is on the minus strand). VCF-style: chr16-56519791-G-C. GRCh37 (hg19) VCF-style: chr16-56553703-G-C.
Other names: c.72C>G, p.Tyr24Ter (NM_001377456.1); short protein forms Y24*.
Identifiers: ClinVar variation 4570 (VCV000004570.32), dbSNP rs121908175, ClinGen allele CA116926.